The following is an entry in ClinVar:

ClinVar aggregate classification (germline): Uncertain significance (1 of 4 stars; one submission).

Conditions:
Meckel-Gruber syndrome. Also called: DYSENCEPHALIA SPLANCHNOCYSTICA; GRUBER SYNDROME; Dysencephalia splachnocystica. Identifiers: Orphanet 564, MedGen C0265215, MONDO:0018921.
Joubert syndrome. Also called: CEREBELLOPARENCHYMAL DISORDER IV; JOUBERT-BOLTSHAUSER SYNDROME; Familial aplasia of the vermis. Identifiers: Orphanet 475, MedGen C5979921, MONDO:0018772.

Submission:

Labcorp Genetics (formerly Invitae), Labcorp
Classification: Uncertain significance for Joubert syndrome; Meckel-Gruber syndrome. Last evaluated: 2022-07-12. Review status: criteria provided, single submitter. Criteria: Invitae Variant Classification Sherloc (09022015). Collection method: clinical testing. Allele origin: germline.
Comment: This sequence change replaces alanine, which is neutral and non-polar, with proline, which is neutral and non-polar, at codon 148 of the MKS1 protein (p.Ala148Pro). This variant is not present in population databases (gnomAD no frequency). This variant has not been reported in the literature in individuals affected with MKS1-related conditions. ClinVar contains an entry for this variant (Variation ID: 846446). Advanced modeling of protein sequence and biophysical properties (such as structural, functional, and spatial information, amino acid conservation, physicochemical variation, residue mobility, and thermodynamic stability) performed at Invitae indicates that this missense variant is not expected to disrupt MKS1 protein function. In summary, the available evidence is currently insufficient to determine the role of this variant in disease. Therefore, it has been classified as a Variant of Uncertain Significance.

NM_017777.4(MKS1):c.442G>C (p.Ala148Pro)

Gene: MKS1 (MKS transition zone complex subunit 1; minus strand). Cytogenetic location: 17q22.
Variant type: single nucleotide variant.
Coding change: c.442G>C on transcript NM_017777.4 (MANE Select); coding-DNA position 442, G replaced by C.
Protein change: p.Ala148Pro; replaces alanine 148 with proline.
Molecular consequence: missense variant. On other transcripts: intron variant (1).
Genome position (GRCh38, 1-based): chr17:58,214,814, C>G on the plus strand (G>C on the coding strand, the complement: MKS1 is on the minus strand). VCF-style: chr17-58214814-C-G. GRCh37 (hg19) VCF-style: chr17-56292175-C-G.
Other names: c.442G>C, p.Ala148Pro (NM_001321269.2, NM_001330397.2); c.-94-427G>C (NM_001321268.2); short protein forms A148P.
Identifiers: ClinVar variation 846446 (VCV000846446.10), dbSNP rs1969097203, ClinGen allele CA400327258.